The following is an entry in ClinVar:

ClinVar aggregate classification (germline): Likely benign (1 of 4 stars; one submission).

Conditions:
HADHA-related disorder. Also called: HADHA-related condition; HADHA-related disorders.

Submission:

PreventionGenetics, part of Exact Sciences
Classification: Likely benign for HADHA-related condition. Last evaluated: 2026-04-27. Review status: criteria provided, single submitter. Criteria: ACMG Guidelines, 2015. Collection method: clinical testing. Allele origin: germline.
Comment: This variant is classified as likely benign based on ACMG/AMP sequence variant interpretation guidelines (Richards et al. 2015 PMID: 25741868, with internal and published modifications).

NC_000002.12:g.26244828G>C

Genes: HADHA (hydroxyacyl-CoA dehydrogenase trifunctional multienzyme complex subunit alpha; minus strand), HADHB (hydroxyacyl-CoA dehydrogenase trifunctional multienzyme complex subunit beta; plus strand). Cytogenetic location: 2p23.3.
Variant type: single nucleotide variant.
Genome position: GRCh38 VCF-style: chr2-26244828-G-C. GRCh37 (hg19) VCF-style: chr2-26467696-G-C.
Identifiers: ClinVar variation 4985457 (VCV004985457.1).